The following is an entry in ClinVar:

ClinVar aggregate classification (germline): Uncertain significance (1 of 4 stars; one submission).

gnomAD v4.1: 31 of 1,124,110 alleles (0.0028%); highest among the groups gnomAD compares: African/African-American, 0.043%; no homozygotes.

Submission:

GeneDx
Classification: Uncertain significance. Last evaluated: 2026-04-03. Review status: criteria provided, single submitter. Criteria: GeneDx Variant Classification Process June 2021. Collection method: clinical testing. Allele origin: germline.
Comment: Has not been previously published as pathogenic or benign to our knowledge; In silico analysis suggests this variant may impact gene splicing. In the absence of RNA/functional studies, the actual effect of this sequence change is unknown.

NM_000350.3(ABCA4):c.3522+110T>C

Gene: ABCA4 (ATP binding cassette subfamily A member 4; minus strand). Cytogenetic location: 1p22.1.
Variant type: single nucleotide variant.
Coding change: c.3522+110T>C on transcript NM_000350.3 (MANE Select); 110 bases into the intron after coding-DNA position 3522, T replaced by C.
Molecular consequence: intron variant.
Genome position (GRCh38, 1-based): chr1:94,041,099, A>G on the plus strand (T>C on the coding strand, the complement: ABCA4 is on the minus strand). VCF-style: chr1-94041099-A-G. GRCh37 (hg19) VCF-style: chr1-94506655-A-G.
Other names: c.3300+110T>C (NM_001425324.1).
Identifiers: ClinVar variation 5016687 (VCV005016687.1).